The following is an entry in ClinVar:

ClinVar aggregate classification (germline): Uncertain significance. Review status: criteria provided, multiple submitters, no conflicts (2 of 4 stars). 2 submissions from 2 submitters: Uncertain significance (2). Last evaluated 2025-05-05.

Conditions:
Fanconi anemia complementation group O. Also called: RAD51C-Related Fanconi Anemia. Identifiers: Orphanet 84, MedGen C3150653, MONDO:0013248, OMIM 613390.
Hereditary cancer-predisposing syndrome. Also called: Hereditary Cancer Syndrome; Neoplastic Syndromes, Hereditary; Hereditary neoplastic syndrome; Tumor predisposition. Identifiers: Orphanet 140162, MedGen C0027672, MeSH D009386, MONDO:0015356.

Submissions (2):

Ambry Genetics
Classification: Uncertain significance for Hereditary cancer-predisposing syndrome. Last evaluated: 2025-05-05. Review status: criteria provided, single submitter. Criteria: Ambry Variant Classification Scheme 2023. Collection method: clinical testing. Allele origin: germline.
Comment: The p.A87T variant (also known as c.259G>A), located in coding exon 2 of the RAD51C gene, results from a G to A substitution at nucleotide position 259. The alanine at codon 87 is replaced by threonine, an amino acid with similar properties. This amino acid position is highly conserved in available vertebrate species. In addition, the in silico prediction for this alteration is inconclusive. Based on the available evidence, the clinical significance of this variant remains unclear.

Labcorp Genetics (formerly Invitae), Labcorp
Classification: Uncertain significance for Fanconi anemia complementation group O. Last evaluated: 2023-08-11. Review status: criteria provided, single submitter. Criteria: Invitae Variant Classification Sherloc (09022015). Collection method: clinical testing. Allele origin: germline.
Comment: This sequence change replaces alanine, which is neutral and non-polar, with threonine, which is neutral and polar, at codon 87 of the RAD51C protein (p.Ala87Thr). In summary, the available evidence is currently insufficient to determine the role of this variant in disease. Therefore, it has been classified as a Variant of Uncertain Significance. Advanced modeling of protein sequence and biophysical properties (such as structural, functional, and spatial information, amino acid conservation, physicochemical variation, residue mobility, and thermodynamic stability) performed at Invitae indicates that this missense variant is expected to disrupt RAD51C protein function. ClinVar contains an entry for this variant (Variation ID: 821547). This variant has not been reported in the literature in individuals affected with RAD51C-related conditions. This variant is not present in population databases (gnomAD no frequency).

NM_058216.3(RAD51C):c.259G>A (p.Ala87Thr)

Gene: RAD51C (RAD51 paralog C; plus strand). Cytogenetic location: 17q22.
Variant type: single nucleotide variant.
Coding change: c.259G>A on transcript NM_058216.3 (MANE Select); coding-DNA position 259, G replaced by A.
Protein change: p.Ala87Thr; replaces alanine 87 with threonine.
Molecular consequence: missense variant. On other transcripts: non-coding transcript variant (2).
Genome position (GRCh38, 1-based): chr17:58,695,044, G>A. VCF-style: chr17-58695044-G-A. GRCh37 (hg19) VCF-style: chr17-56772405-G-A.
Other names: c.259G>A, p.Ala87Thr (NM_002876.4); short protein forms A87T.
Identifiers: ClinVar variation 821547 (VCV000821547.15), dbSNP rs1598455803, ClinGen allele CA400340496.